The following is an entry in ClinVar:

NM_001126108.2(SLC12A3):c.793G>A (p.Val265Met)

Gene: SLC12A3 (solute carrier family 12 member 3; plus strand). Cytogenetic location: 16q13.
Variant type: single nucleotide variant.
Coding change: c.793G>A on transcript NM_001126108.2 (MANE Select); coding-DNA position 793, G replaced by A.
Protein change: p.Val265Met; replaces valine 265 with methionine.
Molecular consequence: missense variant.
Genome position (GRCh38, 1-based): chr16:56,870,677, G>A. VCF-style: chr16-56870677-G-A. GRCh37 (hg19) VCF-style: chr16-56904589-G-A.
Other names: c.793G>A, p.Val265Met (NM_000339.3); c.790G>A, p.Val264Met (NM_001126107.2, NM_001410896.1); c.793G>A (NM_000339.2); short protein forms V264M, V265M.
Identifiers: ClinVar variation 2209173 (VCV002209173.9), dbSNP rs776260447, ClinGen allele CA8069211.
Genomic context (GRCh38, chr16:56,870,677, plus strand): 5'-CCTCCCCAGGAGTATGGGGCACCCATCGTGGACCCCATTAACGACATCCGCATCATTGCC[G>A]TGGTCTCGGTCACTGTGCTGCTGGCCATCTCCCTGGCTGGCATGGAGTGGGAGTCCAAGG-3'
Protein context (NP_001119580.2, residues 255-275): DPINDIRIIA[Val265Met]VSVTVLLAIS

ClinVar aggregate classification (germline): Uncertain significance. Review status: criteria provided, multiple submitters, no conflicts (2 of 4 stars). 6 submissions from 6 submitters: Uncertain significance (6). Last evaluated 2025-10-31.

Conditions:
Inborn genetic diseases. Identifiers: MedGen C0950123, MeSH D030342.
Familial hypokalemia-hypomagnesemia (GTLMNS). Also called: gitelman syndrome; HYPOMAGNESEMIA-HYPOKALEMIA, PRIMARY RENOTUBULAR, WITH HYPOCALCIURIA; POTASSIUM AND MAGNESIUM DEPLETION. Identifiers: Orphanet 358, MedGen C0268450, MONDO:0009904, OMIM 263800.

Allele frequency attached by ClinVar (database versions not stated): gnomAD exomes 0.00002; TOPMed 0.00005; ExAC 0.00004; gnomAD 0.00005.
gnomAD v4.1: 44 of 1,613,860 alleles (0.0027%); highest among the groups gnomAD compares: Admixed American, 0.013%; no homozygotes.

Submissions (6):

3billion
Classification: Uncertain significance for Familial hypokalemia-hypomagnesemia. Last evaluated: 2025-10-31. Review status: criteria provided, single submitter. Criteria: ACMG Guidelines, 2015. Collection method: clinical testing. Allele origin: germline. Affected: yes.
Comment: The variant is observed at an extremely low frequency in the gnomAD v4.1.0 dataset (total allele frequency: 0.003%). Predicted Consequence/Location: Missense variant In silico tool predictions suggest damaging effect of the variant on gene or gene product [REVEL: 0.72 (>=0.6, sensitivity 0.68 and specificity 0.92)]. The variant has been reported as of uncertain significance (ClinVar ID: VCV002209173). Therefore, this variant is classified as VUS according to the recommendation of ACMG/AMP guideline.

GeneDx
Classification: Uncertain significance. Last evaluated: 2024-10-07. Review status: criteria provided, single submitter. Criteria: GeneDx Variant Classification Process June 2021. Collection method: clinical testing. Allele origin: germline. Affected: yes.
Comment: Has not been previously published as pathogenic or benign to our knowledge; In silico analysis indicates that this missense variant does not alter protein structure/function

Fulgent Genetics
Classification: Uncertain significance for Familial hypokalemia-hypomagnesemia. Last evaluated: 2024-05-31. Review status: criteria provided, single submitter. Criteria: ACMG Guidelines, 2015. Collection method: clinical testing. Allele origin: germline.

Women's Health and Genetics/Laboratory Corporation of America, LabCorp
Classification: Uncertain significance. Last evaluated: 2023-10-27. Review status: criteria provided, single submitter. Criteria: LabCorp Variant Classification Summary - May 2015. Collection method: clinical testing. Allele origin: germline.
Comment: Variant summary: SLC12A3 c.793G>A (p.Val265Met) results in a conservative amino acid change located in the amino acid permease/ SLC12A domain (IPR004841) of the encoded protein sequence. Three of five in-silico tools predict a damaging effect of the variant on protein function. The variant allele was found at a frequency of 6e-05 in 251448 control chromosomes (gnomAD). To our knowledge, no occurrence of c.793G>A in individuals affected with Familial Hypokalemia-Hypomagnesemia and no experimental evidence demonstrating its impact on protein function have been reported. Two submitters have cited clinical-significance assessments for this variant to ClinVar after 2014. Both submitters classified the variant as uncertain significance. Based on the evidence outlined above, the variant was classified as uncertain significance.

Labcorp Genetics (formerly Invitae), Labcorp
Classification: Uncertain significance. Last evaluated: 2022-04-06. Review status: criteria provided, single submitter. Criteria: Invitae Variant Classification Sherloc (09022015). Collection method: clinical testing. Allele origin: germline.
Comment: This sequence change replaces valine, which is neutral and non-polar, with methionine, which is neutral and non-polar, at codon 265 of the SLC12A3 protein (p.Val265Met). This variant is present in population databases (rs776260447, gnomAD 0.02%). This variant has not been reported in the literature in individuals affected with SLC12A3-related conditions. Advanced modeling of protein sequence and biophysical properties (such as structural, functional, and spatial information, amino acid conservation, physicochemical variation, residue mobility, and thermodynamic stability) performed at Invitae indicates that this missense variant is not expected to disrupt SLC12A3 protein function. In summary, the available evidence is currently insufficient to determine the role of this variant in disease. Therefore, it has been classified as a Variant of Uncertain Significance.

Ambry Genetics
Classification: Uncertain significance for Inborn genetic diseases. Last evaluated: 2021-06-18. Review status: criteria provided, single submitter. Criteria: Ambry Variant Classification Scheme 2023. Collection method: clinical testing. Allele origin: germline.